The following is an entry in ClinVar:

NM_018060.4(IARS2):c.2049+94A>C

Gene: IARS2 (isoleucyl-tRNA synthetase 2, mitochondrial; plus strand). Cytogenetic location: 1q41.
Variant type: single nucleotide variant.
Coding change: c.2049+94A>C on transcript NM_018060.4 (MANE Select); 94 bases into the intron after coding-DNA position 2049, A replaced by C.
Molecular consequence: intron variant.
Genome position (GRCh38, 1-based): chr1:220,137,005, A>C. VCF-style: chr1-220137005-A-C. GRCh37 (hg19) VCF-style: chr1-220310347-A-C.
Identifiers: ClinVar variation 676219 (VCV000676219.2), dbSNP rs74902866, ClinGen allele CA10957931.

ClinVar aggregate classification (germline): Benign. Review status: criteria provided, multiple submitters, no conflicts (2 of 4 stars). 2 submissions from 2 submitters: Benign (2). Last evaluated 2018-06-19.

Allele frequency attached by ClinVar (database versions not stated): 1000 Genomes Project 30x 0.03826; 1000 Genomes Project 0.03874; TOPMed 0.04993; gnomAD 0.05335 and 0.05344; gnomAD exomes 0.07025.
gnomAD v4.1: 44,177 of 665,280 alleles (6.6%); highest among the groups gnomAD compares: Non-Finnish European, 7.6%; 1,721 homozygotes.

Submissions (2):

GeneDx
Classification: Benign. Last evaluated: 2018-06-19. Review status: criteria provided, single submitter. Criteria: GeneDx Variant Classification (06012015). Collection method: clinical testing. Allele origin: germline. Affected: yes.
Comment: This variant is considered likely benign or benign based on one or more of the following criteria: it is a conservative change, it occurs at a poorly conserved position in the protein, it is predicted to be benign by multiple in silico algorithms, and/or has population frequency not consistent with disease.

Breakthrough Genomics
Classification: Benign. Review status: criteria provided, single submitter. Criteria: ACMG Guidelines, 2015. Collection method: not provided. Allele origin: germline. Inheritance: Autosomal recessive inheritance. Affected: yes.